The following is an entry in ClinVar:

NM_000540.3(RYR1):c.5409G>T (p.Pro1803=)

Gene: RYR1 (ryanodine receptor 1; plus strand). Cytogenetic location: 19q13.2.
Variant type: single nucleotide variant.
Coding change: c.5409G>T on transcript NM_000540.3 (MANE Select); coding-DNA position 5409, G replaced by T.
Protein change: p.Pro1803=; no amino-acid change (proline 1803 retained).
Molecular consequence: synonymous variant.
Genome position (GRCh38, 1-based): chr19:38,486,064, G>T. VCF-style: chr19-38486064-G-T. GRCh37 (hg19) VCF-style: chr19-38976704-G-T.
Other names: c.5409G>T, p.Pro1803= (NM_001042723.2).
Identifiers: ClinVar variation 1550635 (VCV001550635.9), dbSNP rs747211958, ClinGen allele CA507353508.

ClinVar aggregate classification (germline): Likely benign. Review status: criteria provided, multiple submitters, no conflicts (2 of 4 stars). 2 submissions from 2 submitters: Likely benign (2). Last evaluated 2023-10-07.

Conditions:
RYR1-related disorder. Also called: RYR1-related condition; RYR1-related disorders. Identifiers: MedGen CN239331.
Malignant hyperthermia, susceptibility to, 1 (MHS1). Also called: RYR1-Related Malignant Hyperthermia Susceptibility; Anesthesia related hyperthermia; Malignant hyperpyrexia; Fulminating hyperpyrexia; Pharmacogenic myopathy; Malignant hyperthermia suceptibility 1. Identifiers: Orphanet 423, MedGen C2930980, MONDO:0007783, OMIM 145600.

gnomAD v4.1: 1 of 1,612,508 alleles (0.000062%); no homozygotes.

Submissions (2):

Labcorp Genetics (formerly Invitae), Labcorp
Classification: Likely benign for RYR1-related disorder. Last evaluated: 2023-10-07. Review status: criteria provided, single submitter. Criteria: Invitae Variant Classification Sherloc (09022015). Collection method: clinical testing. Allele origin: germline.

All of Us Research Program, National Institutes of Health
Classification: Likely benign for Malignant hyperthermia, susceptibility to, 1. Last evaluated: 2023-06-26. Review status: criteria provided, single submitter. Criteria: ACMG Guidelines, 2015. Collection method: clinical testing. Allele origin: germline. Inheritance: Autosomal dominant inheritance. Observed: 1 variant allele, 1 heterozygote.
Comment: This study involves interpretation of variants in research participants for the purpose of population health screening. Participant phenotype was not available at the time of variant classification. Additional details can be found in publication PMID: 35346344, PMCID: PMC8962531